The following is an entry in ClinVar:

ClinVar aggregate classification (germline): Uncertain significance (1 of 4 stars; one submission).

Allele frequency attached by ClinVar (database versions not stated): gnomAD exomes below 0.00001; TOPMed below 0.00001; ExAC 0.00001; gnomAD 0.00001.
gnomAD v4.1: 3 of 1,613,938 alleles (0.00019%); highest among the groups gnomAD compares: Non-Finnish European, 0.00017%; no homozygotes.

Submission:

Ambry Genetics
Classification: Uncertain significance. Last evaluated: 2022-08-23. Review status: criteria provided, single submitter. Criteria: Ambry Variant Classification Scheme 2023. Collection method: clinical testing. Allele origin: germline.
Comment: The p.A1693V variant (also known as c.5078C>T), located in coding exon 4 of the ALPK2 gene, results from a C to T substitution at nucleotide position 5078. The alanine at codon 1693 is replaced by valine, an amino acid with similar properties. This amino acid position is conserved. In addition, this alteration is predicted to be tolerated by in silico analysis. Since supporting evidence is limited at this time, the clinical significance of this alteration remains unclear.

NM_052947.4(ALPK2):c.5078C>T (p.Ala1693Val)

Genes: ALPK2 (alpha kinase 2; minus strand), LOC130062577 (ATAC-STARR-seq lymphoblastoid active region 13389; plus strand). Cytogenetic location: 18q21.31.
Variant type: single nucleotide variant.
Coding change: c.5078C>T on transcript NM_052947.4 (MANE Select); coding-DNA position 5078, C replaced by T.
Protein change: p.Ala1693Val; replaces alanine 1693 with valine.
Molecular consequence: missense variant.
Genome position (GRCh38, 1-based): chr18:58,535,109, G>A on the plus strand (C>T on the coding strand, the complement: ALPK2 is on the minus strand). VCF-style: chr18-58535109-G-A. GRCh37 (hg19) VCF-style: chr18-56202341-G-A.
Other names: short protein forms A1693V.
Identifiers: ClinVar variation 1745187 (VCV001745187.2), dbSNP rs773465818, ClinGen allele CA8976584.